The following is an entry in ClinVar:

NM_006306.4(SMC1A):c.1832dup (p.Tyr611Ter)

Gene: SMC1A (structural maintenance of chromosomes 1A; minus strand). Cytogenetic location: Xp11.22.
Variant type: Duplication.
Coding change: c.1832dup on transcript NM_006306.4 (MANE Select); coding-DNA position 1832, one base duplicated (A; older notation c.1832dupA).
Protein change: p.Tyr611Ter; replaces tyrosine 611 with a stop codon.
Molecular consequence: nonsense.
Genome position (GRCh38, 1-based): chrX:53,405,572, T duplicated on the plus strand (A on the coding strand, the reverse complement: SMC1A is on the minus strand). VCF-style (leftmost placement, unchanged base first): chrX-53405571-A-AT. GRCh37 (hg19) VCF-style: chrX-53432503-A-AT.
Other names: c.1766dup, p.Tyr589Ter (NM_001281463.1); short protein forms Y589*, Y611*.
Identifiers: ClinVar variation 3062286 (VCV003062286.1), dbSNP rs2520928997, ClinGen allele CA2740092158.

ClinVar aggregate classification (germline): Likely pathogenic (1 of 4 stars; one submission).

Conditions:
Developmental and epileptic encephalopathy, 85, with or without midline brain defects. Also called: EPILEPTIC ENCEPHALOPATHY, EARLY INFANTILE, 85, WITH OR WITHOUT MIDLINE BRAIN DEFECTS. Identifiers: MedGen C5393312, MONDO:0026771, OMIM 301044.
Congenital muscular hypertrophy-cerebral syndrome (CDLS2). Also called: SMC1A-Related Cornelia de Lange Syndrome; Cornelia de Lange syndrome 2. Identifiers: Orphanet 199, MedGen C1802395, MONDO:0010370, OMIM 300590.

Submission:

Molecular Genetics Department, Kulakov National Medical Research Center for Obstetrics, Gynecology and Perinatology
Classification: Likely pathogenic for Congenital muscular hypertrophy-cerebral syndrome; Developmental and epileptic encephalopathy, 85, with or without midline brain defects. Review status: criteria provided, single submitter. Criteria: ACMG Guidelines, 2015. Collection method: clinical testing. Allele origin: germline. Affected: yes.
Comment: A previously undescribed nucleotide variant creates a premature translation stop signal p.Tyr611Ter in the SMC1A gene. Loss-of-function variants are reported in patients with Cornelia de Lange syndrome 2, 300590, Developmental and epileptic encephalopathy 85, with or without midline brain defects, 301044. The variant is not present in population database (gnomAD no frequency). In summary, the currently available evidence indicates that the variant is pathogenic, but additional data are needed to prove that conclusively. Therefore, this variant has been classified as likely pathogenic.